The following is an entry in ClinVar:

ClinVar aggregate classification (germline): Uncertain significance (1 of 4 stars; one submission).

Conditions:
Intellectual developmental disorder, autosomal dominant 45. Also called: MENTAL RETARDATION, AUTOSOMAL DOMINANT 45; Intellectual disability, autosomal dominant 45. Identifiers: MedGen C4539848, MONDO:0030910, OMIM 617600.

gnomAD v4.1: 2 of 1,613,392 alleles (0.00012%); highest among the groups gnomAD compares: East Asian, 0.0045%; no homozygotes.

Submission:

Baylor Genetics
Classification: Uncertain significance for Intellectual developmental disorder, autosomal dominant 45. Last evaluated: 2020-01-13. Review status: criteria provided, single submitter. Criteria: ACMG Guidelines, 2015. Collection method: clinical testing. Allele origin: unknown. Affected: yes.
Comment: This variant was determined to be of uncertain significance according to ACMG Guidelines, 2015 [PMID:25741868].

NM_001386298.1(CIC):c.3031T>C (p.Cys1011Arg)

Gene: CIC (capicua transcriptional repressor; plus strand). Cytogenetic location: 19q13.2.
Variant type: single nucleotide variant.
Coding change: c.3031T>C on transcript NM_001386298.1 (MANE Select); coding-DNA position 3031, T replaced by C.
Protein change: p.Cys1011Arg; replaces cysteine 1011 with arginine.
Molecular consequence: missense variant.
Genome position (GRCh38, 1-based): chr19:42,287,092, T>C. VCF-style: chr19-42287092-T-C. GRCh37 (hg19) VCF-style: chr19-42791244-T-C.
Other names: c.3031T>C, p.Cys1011Arg (NM_001304815.2, NM_001379480.1, NM_001379482.1); c.304T>C, p.Cys102Arg (NM_001379484.1, NM_001379485.1, NM_015125.5); short protein forms C1011R, C102R.
Identifiers: ClinVar variation 1030468 (VCV001030468.1), dbSNP rs2037707528, ClinGen allele CA406096861.
Genomic context (GRCh38, chr19:42,287,092, plus strand): 5'-CATGAACGGCCACCAGGTGGGACAGGGAGTGCTGACCCTGAGCGGCCCCCTGGAGCCACA[T>C]GCCCTGAGAGCCCAGGACCCGGACCCCCACACCCTTTGGGGGTGGTGGAATCTGGTAAGG-3'
Protein context (NP_001373227.1, residues 1001-1021): ADPERPPGAT[Cys1011Arg]PESPGPGPPH